The following is an entry in ClinVar:

ClinVar aggregate classification (germline): Uncertain significance. Review status: criteria provided, multiple submitters, no conflicts (2 of 4 stars). 2 submissions from 2 submitters: Uncertain significance (2). Last evaluated 2025-12-12.

Conditions:
Hereditary factor XI deficiency disease. Also called: Congenital factor XI deficiency; PLASMA THROMBOPLASTIN ANTECEDENT DEFICIENCY; PTA DEFICIENCY; ROSENTHAL SYNDROME. Identifiers: Orphanet 329, MedGen C0015523, MeSH D005173, MONDO:0012897, OMIM 612416.

Submissions (2):

Women's Health and Genetics/Laboratory Corporation of America, LabCorp
Classification: Uncertain significance. Last evaluated: 2025-12-12. Review status: criteria provided, single submitter. Criteria: LabCorp Variant Classification Summary - May 2015. Collection method: clinical testing. Allele origin: germline.
Comment: Variant summary: F11 c.1049T>C (p.Leu350Pro) results in a non-conservative amino acid change in the encoded protein sequence. Algorithms developed to predict the effect of missense changes on protein structure and function all suggest that this variant is likely to be disruptive. The variant was absent in 251446 control chromosomes. c.1049T>C has been observed in at least two individuals affected with Factor XI Deficiency (example: Gerdes_2004, Van Laer_2023). These data indicate that the variant may be associated with disease. To our knowledge, no experimental evidence demonstrating an impact on protein function has been reported. The following publications have been ascertained in the context of this evaluation (PMID: 15140147, 36696193). ClinVar contains an entry for this variant (Variation ID: 1684402). Based on the evidence outlined above, the variant was classified as VUS-possibly pathogenic.

ISTH-SSC Genomics in Thrombosis and Hemostasis, KU Leuven, Center for Molecular and Vascular Biology
Classification: Uncertain significance for Hereditary factor XI deficiency disease. Review status: criteria provided, single submitter. Criteria: ACMG Guidelines, 2015. Collection method: clinical testing. Allele origin: germline. Affected: yes. Observed: 2 compound heterozygotes. Clinical features observed: Low factor XI and factor VII, Absent factor XI levels.
Comment: Submitted to GoldVariant by Kathleen Freson, Center for Molecular and Vascular Biology, Leuven, Belgium

Literature cited by the submitters: PubMed 36696193 (cited by Women's Health and Genetics/Laboratory Corporation of America, LabCorp); PubMed 15140147 (cited by Women's Health and Genetics/Laboratory Corporation of America, LabCorp).

NM_000128.4(F11):c.1049T>C (p.Leu350Pro)

Gene: F11 (coagulation factor XI; plus strand). Cytogenetic location: 4q35.2.
Variant type: single nucleotide variant.
Coding change: c.1049T>C on transcript NM_000128.4 (MANE Select); coding-DNA position 1049, T replaced by C.
Protein change: p.Leu350Pro; replaces leucine 350 with proline.
Molecular consequence: missense variant.
Genome position (GRCh38, 1-based): chr4:186,280,494, T>C. VCF-style: chr4-186280494-T-C. GRCh37 (hg19) VCF-style: chr4-187201648-T-C.
Other names: short protein forms L350P.
Identifiers: ClinVar variation 1684402 (VCV001684402.3), dbSNP rs2126759475, ClinGen allele CA358938665.